The following is an entry in ClinVar:

NM_001330260.2(SCN8A):c.1219T>A (p.Leu407Met)

Gene: SCN8A (sodium voltage-gated channel alpha subunit 8; plus strand). Cytogenetic location: 12q13.13.
Variant type: single nucleotide variant.
Coding change: c.1219T>A on transcript NM_001330260.2 (MANE Select); coding-DNA position 1219, T replaced by A.
Protein change: p.Leu407Met; replaces leucine 407 with methionine.
Molecular consequence: missense variant.
Genome position (GRCh38, 1-based): chr12:51,705,501, T>A. VCF-style: chr12-51705501-T-A. GRCh37 (hg19) VCF-style: chr12-52099285-T-A.
Other names: c.1219T>A, p.Leu407Met (NM_001177984.3, NM_001369788.1, NM_014191.4); short protein forms L407M.
Identifiers: ClinVar variation 432103 (VCV000432103.3), dbSNP rs1555219495, ClinGen allele CA385227922.

ClinVar aggregate classification (germline): Likely pathogenic. Review status: criteria provided, multiple submitters, no conflicts (2 of 4 stars). 2 submissions from 2 submitters: Likely pathogenic (2). Last evaluated 2022-09-21.

Conditions:
SCN8A-related disorder.

Submissions (2):

PreventionGenetics, part of Exact Sciences
Classification: Likely pathogenic for SCN8A-related condition. Last evaluated: 2022-09-21. Review status: criteria provided, single submitter. Criteria: ACMG Guidelines, 2015. Collection method: clinical testing. Allele origin: germline.
Comment: The SCN8A c.1219T>A variant is predicted to result in the amino acid substitution p.Leu407Met. To our knowledge, this variant has not been reported in the literature or in a large population database, indicating this variant is rare. Alternative missense changes at the same amino acid position (i.e. p.Leu407Val and p.Leu407Phe) have been observed to occur de novo in patients with SCN8A-related disorders (see Subject 3, Tables 1 and 2 in Ostrander et al. 2018. PubMed ID: 30109124; Patient 6,219 in Tables 1 and 2 in Kong et al. 2015. PubMed ID: 25785782). In ClinVar, a single laboratory has interpreted the c.1219T>A variant as likely pathogenic. Based on the available evidence, this variant is interpreted as likely pathogenic.

GeneDx
Classification: Likely pathogenic. Last evaluated: 2016-03-02. Review status: criteria provided, single submitter. Criteria: GeneDx Variant Classification (06012015). Collection method: clinical testing. Allele origin: germline. Affected: yes.
Comment: The L407M variant has not been published as a pathogenic variant, nor has it been reported as a benign variant to our knowledge. It was not observed in approximately 6,400 individuals of European and African American ancestry in the NHLBI Exome Sequencing Project, indicating it is not a common benign variant in these populations. The L407M variant is a conservative amino acid substitution, which is not likely to impact secondary protein structure as these residues share similar properties. However, this substitution occurs at a conserved position predicted to be within transmembrane segment S6 in the first homologous domain of the SCN8A protein, and missense variants in the same and in a nearby residue (L407F, V410L) have been reported in the Human Gene Mutation Database in association with SCN8A-related disorders (Stenson et al., 2014). Additionally, in silico analysis predicts this variant is probably damaging to the protein structure/function. Therefore, this variant is likely pathogenic; however, the possibility that it is benign cannot be excluded.